The following is an entry in ClinVar:

ClinVar aggregate classification (germline): Benign. Review status: criteria provided, multiple submitters, no conflicts (2 of 4 stars). 2 submissions from 2 submitters: Benign (2). Last evaluated 2018-01-12.

Conditions:
Acrodysostosis 2 with or without hormone resistance. Also called: ACRODYSOSTOSIS 2 WITH HORMONE RESISTANCE; ACRODYSOSTOSIS 2 WITHOUT HORMONE RESISTANCE. Identifiers: Orphanet 280651, MedGen C3553250, MONDO:0013822, OMIM 614613.

Allele frequency attached by ClinVar (database versions not stated): TOPMed 0.15631; gnomAD 0.16153 and 0.16154; 1000 Genomes Project 0.16274; 1000 Genomes Project 30x 0.16693.

Submissions (2):

Illumina Laboratory Services, Illumina
Classification: Benign for Acrodysostosis 2 with or without hormone resistance. Last evaluated: 2018-01-12. Review status: criteria provided, single submitter. Criteria: ICSL Variant Classification Criteria 13 December 2019. Collection method: clinical testing. Allele origin: germline.
Comment: This variant was observed in the ICSL laboratory as part of a predisposition screen in an ostensibly healthy population. It had not been previously curated by ICSL or reported in the Human Gene Mutation Database (HGMD: prior to June 1st, 2018), and was therefore a candidate for classification through an automated scoring system. Utilizing variant allele frequency, disease prevalence and penetrance estimates, and inheritance mode, an automated score was calculated to assess if this variant is too frequent to cause the disease. Based on the score and internal cut-off values, a variant classified as benign is not then subjected to further curation. The score for this variant resulted in a classification of benign for this disease.

Breakthrough Genomics
Classification: Benign. Review status: criteria provided, single submitter. Criteria: ACMG Guidelines, 2015. Collection method: not provided. Allele origin: germline. Inheritance: Autosomal dominant inheritance. Affected: yes.

NM_001104631.2(PDE4D):c.*1638G>A

Gene: PDE4D (phosphodiesterase 4D; minus strand). Cytogenetic location: 5q11.2.
Variant type: single nucleotide variant.
Coding change: c.*1638G>A on transcript NM_001104631.2 (MANE Select); 1638 bases downstream of the stop codon, G replaced by A.
Molecular consequence: 3 prime UTR variant.
Genome position (GRCh38, 1-based): chr5:58,973,026, C>T on the plus strand (G>A on the coding strand, the complement: PDE4D is on the minus strand). VCF-style: chr5-58973026-C-T. GRCh37 (hg19) VCF-style: chr5-58268853-C-T.
Other names: c.*1638G>A (NM_001165899.2, NM_001197218.2, NM_001197219.2 and 11 more transcripts).
Identifiers: ClinVar variation 353959 (VCV000353959.6), dbSNP rs10075508, ClinGen allele CA10624817.